The following is an entry in ClinVar:

NM_001267550.2(TTN):c.105183G>A (p.Ala35061=)

Genes: TTN (titin; minus strand), TTN-AS1 (TTN antisense RNA 1; plus strand). Cytogenetic location: 2q31.2.
Variant type: single nucleotide variant.
Coding change: c.105183G>A on transcript NM_001267550.2 (MANE Select); coding-DNA position 105183, G replaced by A.
Protein change: p.Ala35061=; no amino-acid change (alanine 35061 retained).
Molecular consequence: synonymous variant.
Genome position (GRCh38, 1-based): chr2:178,531,432, C>T on the plus strand (G>A on the coding strand, the complement: TTN is on the minus strand). VCF-style: chr2-178531432-C-T. GRCh37 (hg19) VCF-style: chr2-179396159-C-T.
Other names: p.Ala33420=; c.100260G>A, p.Ala33420= (NM_001256850.1); c.77988G>A, p.Ala25996= (NM_003319.4); c.97479G>A, p.Ala32493= (NM_133378.4); c.78363G>A, p.Ala26121= (NM_133432.3); c.78564G>A, p.Ala26188= (NM_133437.4).
Identifiers: ClinVar variation 47685 (VCV000047685.58), dbSNP rs371075036, ClinGen allele CA141716.

ClinVar aggregate classification (germline): Conflicting classifications of pathogenicity. Review status: criteria provided, conflicting classifications (1 of 4 stars). 18 submissions from 14 submitters: Uncertain significance (3); Benign (6); Likely benign (7). 2 of the submissions do not count toward it. Last evaluated 2026-07-01.

Conditions:
Cardiovascular phenotype. Identifiers: MedGen CN230736.
Autosomal recessive limb-girdle muscular dystrophy type 2J (LGMDR10). Also called: MUSCULAR DYSTROPHY, LIMB-GIRDLE, AUTOSOMAL RECESSIVE 10; Limb-girdle muscular dystrophy, type 2J. Identifiers: Orphanet 140922, MedGen C1837342, MONDO:0012127, OMIM 608807.
Dilated cardiomyopathy 1G (CMD1G). Identifiers: Orphanet 154, MedGen C1858763, MONDO:0011400, OMIM 604145.
Cardiomyopathy (CMYO). Also called: Cardiomyopathies. Identifiers: Orphanet 167848, MedGen C0878544, MONDO:0004994, HP:0001638. Inheritance: Various modes of inheritance.
Early-onset myopathy with fatal cardiomyopathy (CMYO5). Also called: CONGENITAL MYOPATHY 5 WITH CARDIOMYOPATHY; Salih Myopathy. Identifiers: Orphanet 289377, MedGen C2673677, MONDO:0012714, OMIM 611705. Disease mechanism: loss of function.
Myopathy, myofibrillar, 9, with early respiratory failure (MFM9). Also called: Myopathy, distal, with early respiratory failure, autosomal dominant; Hereditary myopathy with early respiratory failure; EDSTROM MYOPATHY; MYOPATHY, PROXIMAL, WITH EARLY RESPIRATORY MUSCLE INVOLVEMENT. Identifiers: Orphanet 178464, Orphanet 34521, MedGen C1863599, MONDO:0011362, OMIM 603689.
Tibial muscular dystrophy (TMD). Also called: Tibial muscular dystrophy, tardive; Udd Distal Myopathy – Tibial Muscular Dystrophy; UDD MYOPATHY. Identifiers: Orphanet 609, MedGen C1838244, MONDO:0010870, OMIM 600334.

Allele frequency attached by ClinVar (database versions not stated): ESP Exome Variant Server 0.00108; TOPMed 0.00113; gnomAD 0.00112 and 0.00122; 1000 Genomes Project 0.00040; 1000 Genomes Project 30x 0.00031.
gnomAD v4.1: 504 of 1,613,964 alleles (0.031%); highest among the groups gnomAD compares: African/African-American, 0.34%; no homozygotes.

Submissions (18):

CeGaT Center for Human Genetics Tuebingen
Classification: Likely benign. Last evaluated: 2026-07-01. Review status: criteria provided, single submitter. Criteria: CeGaT Center For Human Genetics Tuebingen Variant Classification Criteria Version 2. Collection method: clinical testing. Allele origin: germline. Affected: yes. Observed: 2 variant alleles.
Comment: TTN: BP4, BP7

Labcorp Genetics (formerly Invitae), Labcorp
Classification: Benign for Dilated cardiomyopathy 1G; Autosomal recessive limb-girdle muscular dystrophy type 2J. Last evaluated: 2026-01-19. Review status: criteria provided, single submitter. Criteria: Invitae Variant Classification Sherloc (09022015). Collection method: clinical testing. Allele origin: germline.

Molecular Diagnostic Laboratory for Inherited Cardiovascular Disease, Montreal Heart Institute
Classification: Benign. Last evaluated: 2025-04-09. Review status: criteria provided, single submitter. Criteria: ACMG Guidelines, 2015. Collection method: clinical testing. Allele origin: germline. Affected: no.

Blueprint Genetics
Classification: Likely benign. Last evaluated: 2024-11-20. Review status: criteria provided, single submitter. Criteria: ACMG Guidelines, 2015. Collection method: clinical testing. Allele origin: germline.

Mayo Clinic Laboratories, Mayo Clinic
Classification: Likely benign. Last evaluated: 2024-07-25. Review status: criteria provided, single submitter. Criteria: ACMG Guidelines, 2015. Collection method: clinical testing. Allele origin: germline. Observed: 3 variant alleles.
Comment: BP4, BP7

GeneDx
Classification: Likely benign. Last evaluated: 2020-09-28. Review status: criteria provided, single submitter. Criteria: GeneDx Variant Classification Process June 2021. Collection method: clinical testing. Allele origin: germline. Affected: yes.
Comment: This variant is associated with the following publications: (PMID: 24503780)

Women's Health and Genetics/Laboratory Corporation of America, LabCorp
Classification: Likely benign. Last evaluated: 2020-08-08. Review status: criteria provided, single submitter. Criteria: LabCorp Variant Classification Summary - May 2015. Collection method: clinical testing. Allele origin: germline.

Illumina Laboratory Services, Illumina
Classification: Benign for Tibial muscular dystrophy. Last evaluated: 2018-01-13. Review status: criteria provided, single submitter. Criteria: ICSL Variant Classification Criteria 13 December 2019. Collection method: clinical testing. Allele origin: germline.
Comment: This variant was observed in the ICSL laboratory as part of a predisposition screen in an ostensibly healthy population. It had not been previously curated by ICSL or reported in the Human Gene Mutation Database (HGMD: prior to June 1st, 2018), and was therefore a candidate for classification through an automated scoring system. Utilizing variant allele frequency, disease prevalence and penetrance estimates, and inheritance mode, an automated score was calculated to assess if this variant is too frequent to cause the disease. Based on the score and internal cut-off values, a variant classified as benign is not then subjected to further curation. The score for this variant resulted in a classification of benign for this disease.

Illumina Laboratory Services, Illumina
Classification: Uncertain significance for Dilated cardiomyopathy 1G. Last evaluated: 2018-01-13. Review status: criteria provided, single submitter. Criteria: ICSL Variant Classification Criteria 13 December 2019. Collection method: clinical testing. Allele origin: germline.

Illumina Laboratory Services, Illumina
Classification: Uncertain significance for Autosomal recessive limb-girdle muscular dystrophy type 2J. Last evaluated: 2018-01-13. Review status: criteria provided, single submitter. Criteria: ICSL Variant Classification Criteria 13 December 2019. Collection method: clinical testing. Allele origin: germline.

Illumina Laboratory Services, Illumina
Classification: Uncertain significance for Early-onset myopathy with fatal cardiomyopathy. Last evaluated: 2018-01-13. Review status: criteria provided, single submitter. Criteria: ICSL Variant Classification Criteria 13 December 2019. Collection method: clinical testing. Allele origin: germline.

Illumina Laboratory Services, Illumina
Classification: Benign for Myopathy, myofibrillar, 9, with early respiratory failure. Last evaluated: 2018-01-13. Review status: criteria provided, single submitter. Criteria: ICSL Variant Classification Criteria 13 December 2019. Collection method: clinical testing. Allele origin: germline.
Comment: the same text as in the submission from Illumina Laboratory Services, Illumina above.

CHEO Genetics Diagnostic Laboratory, Children's Hospital of Eastern Ontario
Classification: Benign for Cardiomyopathy. Last evaluated: 2017-11-24. Review status: criteria provided, single submitter. Criteria: ACMG Guidelines, 2015. Collection method: clinical testing. Allele origin: germline.

Laboratory for Molecular Medicine, Mass General Brigham Personalized Medicine
Classification: Benign. Last evaluated: 2016-06-10. Review status: criteria provided, single submitter. Criteria: LMM Criteria. Collection method: clinical testing. Allele origin: germline. Observed: 4 variant alleles.
Comment: p.Ala32493Ala in exon 307 of TTN: This variant is not expected to have clinical significance because it does not alter an amino acid residue and has been identi fied in 0.3% (37/9800) of African chromosomes by the Exome Aggregation Consortiu m (ExAC; dbSNP rs371075036).

Eurofins Ntd Llc (ga)
Classification: Likely benign. Last evaluated: 2016-03-18. Review status: criteria provided, single submitter. Criteria: EGL Classification Definitions 2015. Collection method: clinical testing. Allele origin: germline. Observed: 2 variant alleles, 2 heterozygotes.

Ambry Genetics
Classification: Likely benign for Cardiovascular phenotype. Last evaluated: 2016-03-15. Review status: criteria provided, single submitter. Criteria: Ambry Variant Classification Scheme 2023. Collection method: clinical testing. Allele origin: germline.

Clinical Genetics DNA and cytogenetics Diagnostics Lab, Erasmus MC, Erasmus Medical Center
Classification: Likely benign. Review status: no assertion criteria provided. Collection method: clinical testing. Allele origin: germline. Affected: yes. Study: VKGL Data-share Consensus. Not counted in ClinVar's aggregate classification.

Diagnostic Laboratory, Department of Genetics, University Medical Center Groningen
Classification: Likely benign. Review status: no assertion criteria provided. Collection method: clinical testing. Allele origin: germline. Affected: yes. Study: VKGL Data-share Consensus. Not counted in ClinVar's aggregate classification.